The following is an entry in ClinVar:

NM_002878.4(RAD51D):c.333C>T (p.Ser111=)

Genes: RAD51D (RAD51 paralog D; minus strand), RAD51L3-RFFL (RAD51L3-RFFL readthrough; minus strand). Cytogenetic location: 17q12.
Variant type: single nucleotide variant.
Coding change: c.333C>T on transcript NM_002878.4 (MANE Select); coding-DNA position 333, C replaced by T.
Protein change: p.Ser111=; no amino-acid change (serine 111 retained).
Molecular consequence: synonymous variant. On other transcripts: non-coding transcript variant (2), intron variant (1).
Genome position (GRCh38, 1-based): chr17:35,107,378, G>A on the plus strand (C>T on the coding strand, the complement: RAD51D is on the minus strand). VCF-style: chr17-35107378-G-A. GRCh37 (hg19) VCF-style: chr17-33434397-G-A.
Other names: c.393C>T, p.Ser131= (NM_001142571.2); c.145-897C>T (NM_133629.3).
Identifiers: ClinVar variation 472598 (VCV000472598.25), dbSNP rs369396909, ClinGen allele CA8499512.

ClinVar aggregate classification (germline): Benign/Likely benign. Review status: criteria provided, multiple submitters, no conflicts (2 of 4 stars). 8 submissions from 8 submitters: Benign (1); Likely benign (7). Last evaluated 2026-03-23.

Conditions:
Hereditary cancer-predisposing syndrome. Also called: Tumor predisposition; Hereditary Cancer Syndrome; Hereditary neoplastic syndrome; Neoplastic Syndromes, Hereditary. Identifiers: Orphanet 140162, MedGen C0027672, MeSH D009386, MONDO:0015356.
Breast-ovarian cancer, familial, susceptibility to, 4. Identifiers: Orphanet 145, MedGen C3280345, MONDO:0013669, OMIM 614291.

Allele frequency attached by ClinVar (database versions not stated): gnomAD 0.00001; gnomAD exomes 0.00001 and 0.00002; ExAC 0.00002; TOPMed 0.00002.
gnomAD v4.1: 11 of 1,558,044 alleles (0.00071%); highest among the groups gnomAD compares: Admixed American, 0.0067%; no homozygotes.

Submissions (8):

Women's Health and Genetics/Laboratory Corporation of America, LabCorp
Classification: Likely benign. Last evaluated: 2026-03-23. Review status: criteria provided, single submitter. Criteria: LabCorp Variant Classification Summary - May 2015. Collection method: clinical testing. Allele origin: germline.

Labcorp Genetics (formerly Invitae), Labcorp
Classification: Likely benign for Breast-ovarian cancer, familial, susceptibility to, 4. Last evaluated: 2026-01-20. Review status: criteria provided, single submitter. Criteria: Invitae Variant Classification Sherloc (09022015). Collection method: clinical testing. Allele origin: germline.

Myriad Genetics, Inc.
Classification: Benign for Breast-ovarian cancer, familial, susceptibility to, 4. Last evaluated: 2025-02-21. Review status: criteria provided, single submitter. Criteria: Myriad Autosomal Dominant, Autosomal Recessive and X-Linked Classification Criteria (2023). Collection method: clinical testing. Allele origin: unknown.
Comment: This variant is considered benign. This variant is a silent/synonymous amino acid change and it is not expected to impact splicing.

Quest Diagnostics Nichols Institute San Juan Capistrano
Classification: Likely benign. Last evaluated: 2023-06-06. Review status: criteria provided, single submitter. Criteria: Quest Diagnostics criteria. Collection method: clinical testing. Allele origin: unknown.

Sema4
Classification: Likely benign for Hereditary cancer-predisposing syndrome. Last evaluated: 2022-02-04. Review status: criteria provided, single submitter. Criteria: Sema4 Curation Guidelines. Collection method: curation. Allele origin: germline.

GeneDx
Classification: Likely benign. Last evaluated: 2018-04-26. Review status: criteria provided, single submitter. Criteria: GeneDx Variant Classification Process June 2021. Collection method: clinical testing. Allele origin: germline. Affected: yes.

Ambry Genetics
Classification: Likely benign for Hereditary cancer-predisposing syndrome. Last evaluated: 2016-07-13. Review status: criteria provided, single submitter. Criteria: Ambry Variant Classification Scheme 2023. Collection method: clinical testing. Allele origin: germline.

Color Diagnostics, LLC DBA Color Health
Classification: Likely benign for Hereditary cancer-predisposing syndrome. Last evaluated: 2015-11-30. Review status: criteria provided, single submitter. Criteria: ACMG Guidelines, 2015. Collection method: clinical testing. Allele origin: germline.